The following is an entry in ClinVar:

NM_005120.3(MED12):c.1606A>G (p.Ile536Val)

Genes: MED12 (mediator complex subunit 12; plus strand), LOC126863275 (BRD4-independent group 4 enhancer GRCh37_chrX:70342400-70343599; plus strand). Cytogenetic location: Xq13.1.
Variant type: single nucleotide variant.
Coding change: c.1606A>G on transcript NM_005120.3 (MANE Select); coding-DNA position 1606, A replaced by G.
Protein change: p.Ile536Val; replaces isoleucine 536 with valine.
Molecular consequence: missense variant.
Genome position (GRCh38, 1-based): chrX:71,123,215, A>G. VCF-style: chrX-71123215-A-G. GRCh37 (hg19) VCF-style: chrX-70343065-A-G.
Other names: short protein forms I536V.
Identifiers: ClinVar variation 5024240 (VCV005024240.1).

ClinVar aggregate classification (germline): Uncertain significance (1 of 4 stars; one submission).

Conditions:
Familial thoracic aortic aneurysm and aortic dissection (TAAD). Also called: Thoracic aortic aneurysms and dissections. Identifiers: Orphanet 91387, MedGen C4707243, MONDO:0019625.

Submission:

Ambry Genetics
Classification: Uncertain significance for Familial thoracic aortic aneurysm and aortic dissection. Last evaluated: 2026-08-24. Review status: criteria provided, single submitter. Criteria: Ambry Variant Classification Scheme 2023. Collection method: clinical testing. Allele origin: germline.
Comment: The p.I536V variant (also known as c.1606A>G), located in coding exon 11 of the MED12 gene, results from an A to G substitution at nucleotide position 1606. The isoleucine at codon 536 is replaced by valine, an amino acid with highly similar properties. This amino acid position is conserved. In addition, this alteration is predicted to be tolerated by in silico analysis. Based on the available evidence, the clinical significance of this variant remains unclear.